The following is an entry in ClinVar:

ClinVar aggregate classification (germline): Likely benign (1 of 4 stars; one submission).

gnomAD v4.1: 15 of 1,613,704 alleles (0.00093%); highest among the groups gnomAD compares: Non-Finnish European, 0.0012%; no homozygotes.

Submission:

Mayo Clinic Laboratories, Mayo Clinic
Classification: Likely benign. Last evaluated: 2025-10-08. Review status: criteria provided, single submitter. Criteria: ACMG Guidelines, 2015. Collection method: clinical testing. Allele origin: germline. Observed: 1 variant allele.
Comment: BP4, BP7

NM_000063.6(C2):c.849+24C>A

Gene: C2 (complement C2; plus strand). Cytogenetic location: 6p21.33.
Variant type: single nucleotide variant.
Coding change: c.849+24C>A on transcript NM_000063.6 (MANE Select); 24 bases into the intron after coding-DNA position 849, C replaced by A.
Molecular consequence: intron variant. On other transcripts: nonsense (1).
Genome position (GRCh38, 1-based): chr6:31,934,323, C>A. VCF-style: chr6-31934323-C-A. GRCh37 (hg19) VCF-style: chr6-31902100-C-A.
Other names: p.?; c.873C>A, p.Cys291Ter (NM_001282459.2); c.111+540C>A (NM_001282457.2); c.346+358C>A (NM_001178063.3); c.762+24C>A (NM_001282458.2); c.453+24C>A (NM_001145903.3); short protein forms C291*.
Identifiers: ClinVar variation 4684920 (VCV004684920.1).